The following is an entry in ClinVar:

NM_001277062.2(MFF):c.406C>T (p.Arg136Cys)

Gene: MFF (mitochondrial fission factor; plus strand). Cytogenetic location: 2q36.3.
Variant type: single nucleotide variant.
Coding change: c.406C>T on transcript NM_001277062.2 (MANE Select); coding-DNA position 406, C replaced by T.
Protein change: p.Arg136Cys; replaces arginine 136 with cysteine.
Molecular consequence: missense variant. On other transcripts: non-coding transcript variant (1).
Genome position (GRCh38, 1-based): chr2:227,340,346, C>T. VCF-style: chr2-227340346-C-T. GRCh37 (hg19) VCF-style: chr2-228205062-C-T.
Other names: c.484C>T, p.Arg162Cys (NM_001277061.2, NM_020194.5); c.406C>T, p.Arg136Cys (NM_001277063.2, NM_001277064.2, NM_001277065.2 and 2 more transcripts); c.256C>T, p.Arg86Cys (NM_001277067.1); short protein forms R162C, R136C, R86C.
Identifiers: ClinVar variation 218582 (VCV000218582.3), dbSNP rs201498602, ClinGen allele CA249322.

ClinVar aggregate classification (germline): Uncertain significance. Review status: criteria provided, multiple submitters, no conflicts (2 of 4 stars). 2 submissions from 2 submitters: Uncertain significance (2). Last evaluated 2026-07-09.

Allele frequency attached by ClinVar (database versions not stated): gnomAD 0.00003; TOPMed 0.00008; ESP Exome Variant Server 0.00015.

Submissions (2):

GeneDx
Classification: Uncertain significance. Last evaluated: 2026-07-09. Review status: criteria provided, single submitter. Criteria: GeneDx Variant Classification Process June 2021. Collection method: clinical testing. Allele origin: germline.
Comment: In silico analysis supports that this missense variant has a deleterious effect on protein structure/function; Has not been previously published as pathogenic or benign to our knowledge

Genomic Diagnostic Laboratory, Division of Genomic Diagnostics, Children's Hospital of Philadelphia
Classification: Uncertain significance. Last evaluated: 2015-02-13. Review status: criteria provided, single submitter. Criteria: DGD Variant Analysis Guidelines. Collection method: clinical testing. Allele origin: unknown.